The following is an entry in ClinVar:

ClinVar aggregate classification (germline): Pathogenic/Likely pathogenic. Review status: criteria provided, multiple submitters, no conflicts (2 of 4 stars). 4 submissions from 4 submitters: Pathogenic (3); Likely pathogenic (1). Last evaluated 2025-04-29.

Conditions:
Lynch syndrome 4 (LYNCH4). Also called: Colorectal cancer, hereditary nonpolyposis, type 4; Hereditary non-polyposis colorectal cancer, type 4. Identifiers: Orphanet 144, MedGen C1838333, MONDO:0013699, OMIM 614337. Disease mechanism: loss of function.
Hereditary cancer-predisposing syndrome. Also called: Hereditary Cancer Syndrome; Tumor predisposition; Neoplastic Syndromes, Hereditary; Hereditary neoplastic syndrome. Identifiers: Orphanet 140162, MedGen C0027672, MeSH D009386, MONDO:0015356.
Hereditary nonpolyposis colorectal neoplasms. Identifiers: MedGen C0009405, MeSH D003123.

Submissions (4):

Labcorp Genetics (formerly Invitae), Labcorp
Classification: Pathogenic for Hereditary nonpolyposis colorectal neoplasms. Last evaluated: 2025-04-29. Review status: criteria provided, single submitter. Criteria: Invitae Variant Classification Sherloc (09022015). Collection method: clinical testing. Allele origin: germline.
Comment: This sequence change creates a premature translational stop signal (p.Cys216Glyfs*34) in the PMS2 gene. It is expected to result in an absent or disrupted protein product. Loss-of-function variants in PMS2 are known to be pathogenic (PMID: 21376568, 24362816). This variant is not present in population databases (gnomAD no frequency). This variant has not been reported in the literature in individuals affected with PMS2-related conditions. ClinVar contains an entry for this variant (Variation ID: 863052). For these reasons, this variant has been classified as Pathogenic.

Baylor Genetics
Classification: Likely pathogenic for Lynch syndrome 4. Last evaluated: 2023-10-16. Review status: criteria provided, single submitter. Criteria: ACMG Guidelines, 2015. Collection method: clinical testing. Allele origin: unknown.

Myriad Genetics, Inc.
Classification: Pathogenic for Lynch syndrome 4. Last evaluated: 2023-09-19. Review status: criteria provided, single submitter. Criteria: Myriad Autosomal Dominant, Autosomal Recessive and X-Linked Classification Criteria (2023). Collection method: clinical testing. Allele origin: unknown.
Comment: This variant is considered pathogenic. This variant creates a frameshift predicted to result in premature protein truncation.

Ambry Genetics
Classification: Pathogenic for Hereditary cancer-predisposing syndrome. Last evaluated: 2023-02-28. Review status: criteria provided, single submitter. Criteria: Ambry Variant Classification Scheme 2023. Collection method: clinical testing. Allele origin: germline.
Comment: The c.641_644dupTGGT pathogenic mutation, located in coding exon 6 of the PMS2 gene, results from a duplication of TGGT at nucleotide position 641, causing a translational frameshift with a predicted alternate stop codon (p.C216Gfs*34). This variant is considered to be rare based on population cohorts in the Genome Aggregation Database (gnomAD). This alteration is expected to result in loss of function by premature protein truncation or nonsense-mediated mRNA decay. As such, this alteration is interpreted as a disease-causing mutation.

Literature cited by the submitters: PubMed 21376568 (cited by Labcorp Genetics (formerly Invitae), Labcorp); PubMed 24362816 (cited by Labcorp Genetics (formerly Invitae), Labcorp).

NM_000535.7(PMS2):c.641_644dup (p.Cys216fs)

Gene: PMS2 (PMS1 homolog 2, mismatch repair system component; minus strand). Cytogenetic location: 7p22.1.
Variant type: Duplication.
Coding change: c.641_644dup on transcript NM_000535.7 (MANE Select); coding-DNA positions 641 to 644, 4 bases duplicated (TGGT; older notation c.641_644dupTGGT).
Protein change: p.Cys216fs; shifts the reading frame from cysteine 216.
Molecular consequence: frameshift variant. On other transcripts: 5 prime UTR variant (2), non-coding transcript variant (1), intron variant (1).
Genome position (GRCh38, 1-based): chr7:5,999,169-5,999,172, ACCA duplicated on the plus strand (TGGT on the coding strand, the reverse complement: PMS2 is on the minus strand). VCF-style (leftmost placement, unchanged base first): chr7-5999168-T-TACCA. GRCh37 (hg19) VCF-style: chr7-6038799-T-TACCA.
Other names: c.236_239dup, p.Cys81fs (NM_001322003.2, NM_001322004.2, NM_001322005.2 and 2 more transcripts); c.641_644dup, p.Cys216fs (NM_001322006.2, NM_001322014.2); c.323_326dup, p.Cys110fs (NM_001322007.2, NM_001322008.2); c.-293_-290dup (NM_001322011.2, NM_001322012.2); c.332_335dup, p.Cys113fs (NM_001322015.2); c.133-1749_133-1746dup (NM_001322013.2); c.641_644dupTGGT (NM_000535.5); short protein forms C113fs, C216fs, C110fs, C81fs.
Identifiers: ClinVar variation 863052 (VCV000863052.11), dbSNP rs1784802468, ClinGen allele CA916080369.